The following is an entry in ClinVar:

ClinVar aggregate classification (germline): Uncertain significance. Review status: criteria provided, multiple submitters, no conflicts (2 of 4 stars). 3 submissions from 3 submitters: Uncertain significance (3). Last evaluated 2025-10-19.

Conditions:
Hereditary cancer-predisposing syndrome. Also called: Neoplastic Syndromes, Hereditary; Tumor predisposition; Hereditary Cancer Syndrome; Hereditary neoplastic syndrome. Identifiers: Orphanet 140162, MedGen C0027672, MeSH D009386, MONDO:0015356.

Allele frequency attached by ClinVar (database versions not stated): gnomAD exomes below 0.00001; gnomAD 0.00001; TOPMed 0.00002.
gnomAD v4.1: 5 of 1,613,828 alleles (0.00031%); highest among the groups gnomAD compares: South Asian, 0.0033%; no homozygotes.

Submissions (3):

Labcorp Genetics (formerly Invitae), Labcorp
Classification: Uncertain significance. Last evaluated: 2025-10-19. Review status: criteria provided, single submitter. Criteria: Invitae Variant Classification Sherloc (09022015). Collection method: clinical testing. Allele origin: germline.
Comment: This sequence change replaces alanine, which is neutral and non-polar, with serine, which is neutral and polar, at codon 76 of the HOXB13 protein (p.Ala76Ser). This variant is present in population databases (no rsID available, gnomAD 0.003%). This variant has not been reported in the literature in individuals affected with HOXB13-related conditions. ClinVar contains an entry for this variant (Variation ID: 820993). Invitae Evidence Modeling of protein sequence and biophysical properties (such as structural, functional, and spatial information, amino acid conservation, physicochemical variation, residue mobility, and thermodynamic stability) indicates that this missense variant is not expected to disrupt HOXB13 protein function with a negative predictive value of 80%. In summary, the available evidence is currently insufficient to determine the role of this variant in disease. Therefore, it has been classified as a Variant of Uncertain Significance.

Ambry Genetics
Classification: Uncertain significance for Hereditary cancer-predisposing syndrome. Last evaluated: 2025-02-02. Review status: criteria provided, single submitter. Criteria: Ambry Variant Classification Scheme 2023. Collection method: clinical testing. Allele origin: germline.
Comment: The p.A76S variant (also known as c.226G>T), located in coding exon 1 of the HOXB13 gene, results from a G to T substitution at nucleotide position 226. The alanine at codon 76 is replaced by serine, an amino acid with similar properties. This amino acid position is well conserved in available vertebrate species. In addition, this alteration is predicted to be tolerated by in silico analysis. Since supporting evidence is limited at this time, the clinical significance of this alteration remains unclear.

GeneDx
Classification: Uncertain significance. Last evaluated: 2024-07-01. Review status: criteria provided, single submitter. Criteria: GeneDx Variant Classification Process June 2021. Collection method: clinical testing. Allele origin: germline. Affected: yes.
Comment: Not observed at significant frequency in large population cohorts (gnomAD); In silico analysis indicates that this missense variant does not alter protein structure/function; Has not been previously published as pathogenic or benign to our knowledge

NM_006361.6(HOXB13):c.226G>T (p.Ala76Ser)

Gene: HOXB13 (homeobox B13; minus strand). Cytogenetic location: 17q21.32.
Variant type: single nucleotide variant.
Coding change: c.226G>T on transcript NM_006361.6 (MANE Select); coding-DNA position 226, G replaced by T.
Protein change: p.Ala76Ser; replaces alanine 76 with serine.
Molecular consequence: missense variant.
Genome position (GRCh38, 1-based): chr17:48,728,368, C>A on the plus strand (G>T on the coding strand, the complement: HOXB13 is on the minus strand). VCF-style: chr17-48728368-C-A. GRCh37 (hg19) VCF-style: chr17-46805730-C-A.
Other names: short protein forms A76S.
Identifiers: ClinVar variation 820993 (VCV000820993.14), dbSNP rs1390422355, ClinGen allele CA400107889.
Genomic context (GRCh38, chr17:48,728,368, plus strand): 5'-AGCTCCGGGACACTCGGCAGGAGTAGTACCCGCCTCCAAAGTAACCATAAGGCACGGGAG[C>A]TGGGGACGTCCCCTGGGGCACCCCAGGGCATGGGTGGCATTGCTTTGGCGGCTCCGCCGA-3'
Protein context (NP_006352.2, residues 66-86): CPGVPQGTSP[Ala76Ser]PVPYGYFGGG